The following is an entry in ClinVar:

NM_000152.5(GAA):c.2237G>T (p.Trp746Leu)

Gene: GAA (alpha glucosidase; plus strand). Cytogenetic location: 17q25.3.
Variant type: single nucleotide variant.
Coding change: c.2237G>T on transcript NM_000152.5 (MANE Select); coding-DNA position 2237, G replaced by T.
Protein change: p.Trp746Leu; replaces tryptophan 746 with leucine.
Molecular consequence: missense variant.
Genome position (GRCh38, 1-based): chr17:80,117,015, G>T. VCF-style: chr17-80117015-G-T. GRCh37 (hg19) VCF-style: chr17-78090814-G-T.
Other names: NM_000152.4(GAA):c.2237G>T; p.Trp746Leu; c.2237G>T (LRG_673t1); c.2237G>T, p.Trp746Leu (NM_001079803.3, NM_001079804.3); short protein forms W746L.
Identifiers: ClinVar variation 284776 (VCV000284776.27), dbSNP rs752921215, ClinGen allele CA8815663.

ClinVar aggregate classification (germline): Uncertain significance. Review status: reviewed by expert panel (3 of 4 stars). 12 submissions from 12 submitters: Uncertain significance (1). 11 of the submissions do not count toward it. Last evaluated 2024-12-19.

Conditions:
GAA-related disorders.
Glycogen storage disease due to acid maltase deficiency, late-onset (LOPD). Also called: POMPE DISEASE, LATE-ONSET; GLYCOGEN STORAGE DISEASE II, LATE-ONSET; ACID ALPHA-GLUCOSIDASE DEFICIENCY, LATE-ONSET; GAA DEFICIENCY, LATE-ONSET; ACID MALTASE DEFICIENCY, LATE-ONSET; AMD, LATE-ONSET. Identifiers: Orphanet 420429, MedGen C0342753, MONDO:0018485, OMIM 621314.
Glycogen storage disease, type II (IOPD). Also called: Glucosidase acid-1,4-alpha deficiency; Glycogen storage disease type 2; Acid maltase deficiency disease; Aglucosidase alfa; Deficiency of alpha-glucosidase; Deficiency of lysosomal alpha-glucosidase. Identifiers: Orphanet 365, MedGen C0017921, MONDO:0009290, OMIM 232300.

Allele frequency attached by ClinVar (database versions not stated): TOPMed 0.00004; 1000 Genomes Project 30x 0.00016.
gnomAD v4.1: 109 of 1,613,514 alleles (0.0068%); highest among the groups gnomAD compares: South Asian, 0.0077%; no homozygotes.

Submissions (12):

ClinGen Lysosomal Storage Disorder Variant Curation Expert Panel
Classification: Uncertain significance for Glycogen storage disease, type II. Last evaluated: 2024-12-19. Review status: reviewed by expert panel. Criteria: clingen_lsd_acmg_specifications_v2-1. Collection method: curation. Allele origin: germline. Inheritance: Autosomal recessive inheritance.
Comment: The NM_000152.5:c.2237G>T variant in GAA is a missense variant predicted to cause substitution of tryptophan by leucine at amino acid 746 (p.Trp746Leu). The highest population minor allele frequency in gnomAD v4.1.0 is 0.0001102 (7/63508 alleles) in the European Finnish population, which is lower than the ClinGen Lysosomal Diseases threshold for PM2_Supporting (<0.001), meeting this criterion (PM2_supporting). The computational predictor REVEL gives a score of 0.832 which is above the threshold of 0.7, evidence that correlates with impact to GAA function (PP3). Another missense variant (c.2238G>C, p.Trp746Cys) (ClinVar Variation ID 265160) in the same codon has been classified as pathogenic for Pompe disease by the ClinGen Lysosomal Diseases VCEP (PM5). Three additional different missense variants (c.2237G>C, p.Trp746Ser; c.2236T>C, p.Trp746Arg; and c.2236T>G, p.Trp746Gly), in the same codon have been reported in patients with Pompe disease (ClinVar Variation IDs 188484, 499293, 556431). However, these variants have not yet met the criteria to be classified as pathogenic or likely pathogenic by the ClinGen Lysosomal Diseases VCEP. There is a ClinVar entry for this variant (Variation ID: 284776). In summary, there is currently insufficient evidence to determine the pathogenicity of this variant, and it meets the criteria to be classified as a variant of uncertain significance for Pompe disease. GAA-specific ACMG/AMP criteria met, based on the specifications of the ClinGen Lysosomal Diseases VCEP (Specifications Version 2.0): PM5, PP3, PM2_Supporting. (Classification approved by the ClinGen Lysosomal Diseases Variant Curation Expert Panel on December 19, 2024)

Genomenon, Inc
Classification: Uncertain significance for Glycogen storage disease, type II. Last evaluated: 2026-07-01. Review status: criteria provided, single submitter. Criteria: Genomenon Sequence Variant Interpretation Standards - Updated. Collection method: curation. Allele origin: germline. Affected: no. Not counted in ClinVar's aggregate classification.
Comment: GAA p.Trp746Leu (c.2237G>T) is a missense variant that changes the amino acid at codon 746 from Tryptophan to Leucine. This variant has been reported in the published literature (PMID:31342611;28196920;23430949;33560568;33073027;29095812). It is absent or not present at a significant frequency in gnomAD. In silico models predict that this variant is possibly or probably damaging. In conclusion, we classify GAA p.Trp746Leu (c.2237G>T) as a variant of uncertain significance.

GeneDx
Classification: Likely pathogenic. Last evaluated: 2026-04-06. Review status: criteria provided, single submitter. Criteria: GeneDx Variant Classification Process June 2021. Collection method: clinical testing. Allele origin: germline. Not counted in ClinVar's aggregate classification.
Comment: Reported with a second GAA variant in a patient with Pompe disease and reduced GAA activity in published literature; however, segregation information was not provided (PMID: 28196920); Not observed at significant frequency in large population cohorts (gnomAD); In silico analysis supports that this missense variant has a deleterious effect on protein structure/function; This variant is associated with the following publications: (PMID: 19343043, 22253258, 23430493, 23430949, 33560568, 29095812, 31342611, 29422078, 37937776, 28196920, 9535769, 7981676, 27099502, 21232767, 25093132, 21757382)

Labcorp Genetics (formerly Invitae), Labcorp
Classification: Likely pathogenic for Glycogen storage disease, type II. Last evaluated: 2025-12-31. Review status: criteria provided, single submitter. Criteria: Invitae Variant Classification Sherloc (09022015). Collection method: clinical testing. Allele origin: germline. Not counted in ClinVar's aggregate classification.
Comment: This sequence change replaces tryptophan, which is neutral and slightly polar, with leucine, which is neutral and non-polar, at codon 746 of the GAA protein (p.Trp746Leu). This variant is present in population databases (rs752921215, gnomAD 0.01%). This missense change has been observed in individual(s) with a positive newborn screening result for GAA-related disease (PMID: 23430949). ClinVar contains an entry for this variant (Variation ID: 284776). Invitae Evidence Modeling of protein sequence and biophysical properties (such as structural, functional, and spatial information, amino acid conservation, physicochemical variation, residue mobility, and thermodynamic stability) indicates that this missense variant is expected to disrupt GAA protein function with a positive predictive value of 95%. This variant disrupts the p.Trp746 amino acid residue in GAA. Other variant(s) that disrupt this residue have been determined to be pathogenic (PMID: 7981676, 9535769, 21232767, 21757382, 25093132, 27099502). This suggests that this residue is clinically significant, and that variants that disrupt this residue are likely to be disease-causing. In summary, the currently available evidence indicates that the variant is pathogenic, but additional data are needed to prove that conclusively. Therefore, this variant has been classified as Likely Pathogenic.

First Genomix Gene Laboratory, Genetic Diagnostics Department
Classification: Pathogenic for Glycogen storage disease, type II; Glycogen storage disease due to acid maltase deficiency, late-onset. Last evaluated: 2025-09-24. Review status: criteria provided, single submitter. Criteria: ACMG Guidelines, 2015. Collection method: clinical testing. Allele origin: germline. Inheritance: Autosomal recessive inheritance. Affected: no. Observed: 1 variant allele. Not counted in ClinVar's aggregate classification.

Blueprint Genetics
Classification: Likely pathogenic for GAA-related disorders. Last evaluated: 2023-12-21. Review status: criteria provided, single submitter. Criteria: ACMG Guidelines, 2015. Collection method: clinical testing. Allele origin: germline. Affected: yes. Observed: 5 variant alleles. Not counted in ClinVar's aggregate classification.

Revvity Omics, Revvity
Classification: Uncertain significance. Last evaluated: 2023-02-28. Review status: criteria provided, single submitter. Criteria: ACMG Guidelines, 2015. Collection method: clinical testing. Allele origin: germline. Not counted in ClinVar's aggregate classification.

Genetics Laboratory, Department of Biology, Semnan University
Classification: Likely pathogenic for Glycogen storage disease, type II. Last evaluated: 2022-01-18. Review status: criteria provided, single submitter. Criteria: ACMG Guidelines, 2015. Collection method: research. Allele origin: germline. Inheritance: Autosomal recessive inheritance. Affected: yes. Observed: 1 variant allele, 1 homozygote. Not counted in ClinVar's aggregate classification.
Comment: The identified variant leads to the substitution of Tryptophan 746 with leucin (W746L) in the GAA protein. Hence, this substitution could alter the amino acid sequence and could leads to a decreased function of mutated protein.

Genome-Nilou Lab
Classification: Uncertain significance for Glycogen storage disease, type II. Last evaluated: 2021-09-05. Review status: criteria provided, single submitter. Criteria: ACMG Guidelines, 2015. Collection method: clinical testing. Allele origin: germline. Affected: no. Not counted in ClinVar's aggregate classification.

Eurofins Ntd Llc (ga)
Classification: Uncertain significance. Last evaluated: 2018-05-16. Review status: criteria provided, single submitter. Criteria: EGL ClinVar v180209 classification definitions. Collection method: clinical testing. Allele origin: germline. Observed: 3 variant alleles, 3 heterozygotes. Not counted in ClinVar's aggregate classification.

Natera, Inc.
Classification: Uncertain significance for Glycogen storage disease type II. Last evaluated: 2020-10-07. Review status: no assertion criteria provided. Collection method: clinical testing. Allele origin: germline. Not counted in ClinVar's aggregate classification.

Counsyl
Classification: Uncertain significance for Glycogen storage disease, type II. Last evaluated: 2017-12-28. Review status: no assertion criteria provided. Collection method: clinical testing. Allele origin: unknown. Not counted in ClinVar's aggregate classification.

Literature cited by the submitters: PubMed 31342611 (cited by Genomenon, Inc); PubMed 28196920 (cited by Genomenon, Inc and Eurofins Ntd Llc (ga)); PubMed 23430949 (cited by 4 submitters); PubMed 33560568 (cited by Genomenon, Inc); PubMed 33073027 (cited by Genomenon, Inc); PubMed 29095812 (cited by Genomenon, Inc); PubMed 7981676 (cited by Labcorp Genetics (formerly Invitae), Labcorp); PubMed 9535769 (cited by Labcorp Genetics (formerly Invitae), Labcorp); PubMed 21232767 (cited by Labcorp Genetics (formerly Invitae), Labcorp); PubMed 21757382 (cited by Labcorp Genetics (formerly Invitae), Labcorp); PubMed 25093132 (cited by Labcorp Genetics (formerly Invitae), Labcorp); PubMed 27099502 (cited by Labcorp Genetics (formerly Invitae), Labcorp); DOI 10.1016/j.ymgme.2018.08.009 (cited by Genetics Laboratory, Department of Biology, Semnan University); PubMed 23430493 (cited by Eurofins Ntd Llc (ga)).